The following is an entry in ClinVar:

NM_177550.5(SLC13A5):c.533_538dup (p.Ala178_Lys179dup)

Gene: SLC13A5 (solute carrier family 13 member 5; minus strand). Cytogenetic location: 17p13.1.
Variant type: Duplication.
Coding change: c.533_538dup on transcript NM_177550.5 (MANE Select); coding-DNA positions 533 to 538, 6 bases duplicated (CCAAGG; older notation c.533_538dupCCAAGG).
Protein change: p.Ala178_Lys179dup.
Molecular consequence: inframe insertion.
Genome position (GRCh38, 1-based): chr17:6,703,887-6,703,892, CCTTGG duplicated on the plus strand (CCAAGG on the coding strand, the reverse complement: SLC13A5 is on the minus strand); duplicating any 6 consecutive bases within chr17:6,703,887-6,703,897 gives the same sequence; the c. name uses the placement nearest the transcript's 3' end. VCF-style (leftmost placement, unchanged base first): chr17-6703886-T-TCCTTGG. GRCh37 (hg19) VCF-style: chr17-6607205-T-TCCTTGG.
Other names: c.533_538dup, p.Ala178_Lys179dup (NM_001143838.3); c.482_487dup, p.Ala161_Lys162dup (NM_001284509.2); c.404_409dup, p.Ala135_Lys136dup (NM_001284510.2); c.533_538dupCCAAGG (NM_177550.4).
Identifiers: ClinVar variation 426419 (VCV000426419.2), dbSNP rs1085307616, ClinGen allele CA645293897.

ClinVar aggregate classification (germline): Uncertain significance (1 of 4 stars; one submission).

Submission:

GeneDx
Classification: Uncertain significance. Last evaluated: 2017-04-17. Review status: criteria provided, single submitter. Criteria: GeneDx Variant Classification (06012015). Collection method: clinical testing. Allele origin: germline. Affected: yes.
Comment: A variant of uncertain significance has been identified in the SLC13A5 gene. The c.533_538dupCCAAGG variant has not been published as a pathogenic variant, nor has it been reported as a benign variant to our knowledge. The c.533_538dupCCAAGG variant is not observed in large population cohorts (Lek et al., 2016; 1000 Genomes Consortium et al., 2015; Exome Variant Server). The c.533_538dupCCAAGG variant results in an in-frame duplication of two amino acids, denoted p.Ala178_Lys179dup. However, the c.533_538dupCCAAGG variant is not predicted to cause loss of normal protein function through protein truncation or nonsense-mediated mRNA decay. Therefore, based on the currently available information, it is unclear whether this variant is a pathogenic variant or a rare benign variant.